The following is an entry in ClinVar:

NM_001378418.1(TCF20):c.2582C>A (p.Ser861Tyr)

Gene: TCF20 (transcription factor 20; minus strand). Cytogenetic location: 22q13.2.
Variant type: single nucleotide variant.
Coding change: c.2582C>A on transcript NM_001378418.1 (MANE Select); coding-DNA position 2582, C replaced by A.
Protein change: p.Ser861Tyr; replaces serine 861 with tyrosine.
Molecular consequence: missense variant.
Genome position (GRCh38, 1-based): chr22:42,212,724, G>T on the plus strand (C>A on the coding strand, the complement: TCF20 is on the minus strand). VCF-style: chr22-42212724-G-T. GRCh37 (hg19) VCF-style: chr22-42608730-G-T.
Other names: c.2582C>A, p.Ser861Tyr (NM_005650.4, NM_181492.3); short protein forms S861Y.
Identifiers: ClinVar variation 3360738 (VCV003360738.1).

ClinVar aggregate classification (germline): Uncertain significance (1 of 4 stars; one submission).

gnomAD v4.1: 4 of 1,614,204 alleles (0.00025%); highest among the groups gnomAD compares: Non-Finnish European, 0.00034%; no homozygotes.

Submission:

GeneDx
Classification: Uncertain significance. Last evaluated: 2023-07-06. Review status: criteria provided, single submitter. Criteria: GeneDx Variant Classification Process June 2021. Collection method: clinical testing. Allele origin: germline. Affected: yes.
Comment: Not observed at significant frequency in large population cohorts (gnomAD); In silico analysis supports that this missense variant does not alter protein structure/function; Has not been previously published as pathogenic or benign to our knowledge